The following is an entry in ClinVar:

NM_006929.5(SKIC2):c.1112G>A (p.Arg371Gln)

Genes: SKIC2 (SKI2 subunit of superkiller complex; plus strand), LOC126859653 (CDK7 strongly-dependent group 2 enhancer GRCh37_chr6:31929542-31930741; plus strand). Cytogenetic location: 6p21.33.
Variant type: single nucleotide variant.
Coding change: c.1112G>A on transcript NM_006929.5 (MANE Select); coding-DNA position 1112, G replaced by A.
Protein change: p.Arg371Gln; replaces arginine 371 with glutamine.
Molecular consequence: missense variant.
Genome position (GRCh38, 1-based): chr6:31,962,486, G>A. VCF-style: chr6-31962486-G-A. GRCh37 (hg19) VCF-style: chr6-31930263-G-A.
Other names: short protein forms R371Q.
Identifiers: ClinVar variation 1420280 (VCV001420280.5), dbSNP rs771837264, ClinGen allele CA3729357.

ClinVar aggregate classification (germline): Uncertain significance (1 of 4 stars; one submission).

Allele frequency attached by ClinVar (database versions not stated): gnomAD 0.00001; gnomAD exomes 0.00007.
gnomAD v4.1: 95 of 1,613,974 alleles (0.0059%); highest among the groups gnomAD compares: Non-Finnish European, 0.0075%; no homozygotes.

Submission:

Labcorp Genetics (formerly Invitae), Labcorp
Classification: Uncertain significance. Last evaluated: 2021-08-31. Review status: criteria provided, single submitter. Criteria: Invitae Variant Classification Sherloc (09022015). Collection method: clinical testing. Allele origin: germline.
Comment: This sequence change replaces arginine with glutamine at codon 371 of the SKIV2L protein (p.Arg371Gln). The arginine residue is highly conserved and there is a small physicochemical difference between arginine and glutamine. This variant is present in population databases (rs771837264, ExAC 0.006%). This variant has not been reported in the literature in individuals affected with SKIV2L-related conditions. Algorithms developed to predict the effect of missense changes on protein structure and function are either unavailable or do not agree on the potential impact of this missense change (SIFT: "Deleterious"; PolyPhen-2: "Probably Damaging"; Align-GVGD: "Class C0"). In summary, the available evidence is currently insufficient to determine the role of this variant in disease. Therefore, it has been classified as a Variant of Uncertain Significance.